The following is an entry in ClinVar:

NM_004380.3(CREBBP):c.2537C>T (p.Pro846Leu)

Gene: CREBBP (CREB binding lysine acetyltransferase; minus strand). Cytogenetic location: 16p13.3.
Variant type: single nucleotide variant.
Coding change: c.2537C>T on transcript NM_004380.3 (MANE Select); coding-DNA position 2537, C replaced by T.
Protein change: p.Pro846Leu; replaces proline 846 with leucine.
Molecular consequence: missense variant.
Genome position (GRCh38, 1-based): chr16:3,770,913, G>A on the plus strand (C>T on the coding strand, the complement: CREBBP is on the minus strand). VCF-style: chr16-3770913-G-A. GRCh37 (hg19) VCF-style: chr16-3820914-G-A.
Other names: c.2423C>T, p.Pro808Leu (NM_001079846.1); c.2537C>T (NM_004380.2); short protein forms P846L, P808L.
Identifiers: ClinVar variation 2049090 (VCV002049090.6), dbSNP rs371282657, ClinGen allele CA7870089.

ClinVar aggregate classification (germline): Conflicting classifications of pathogenicity. Review status: criteria provided, conflicting classifications (1 of 4 stars). 3 submissions from 3 submitters: Uncertain significance (1); Likely benign (1). 1 of the submissions does not count toward it. Last evaluated 2024-03-04.

Conditions:
Rubinstein-Taybi syndrome (RSTS). Identifiers: Orphanet 783, MedGen C0035934, MONDO:0019188.
CREBBP-related disorder. Also called: CREBBP-related disorders; CREBBP-related condition.
Rubinstein-Taybi syndrome due to CREBBP mutations (RSTS1). Also called: RUBINSTEIN-TAYBI SYNDROME 1, INCOMPLETE; BROAD THUMB-HALLUX SYNDROME; Rubinstein-Taybi syndrome 1; CREBBP-Related Rubinstein-Taybi Syndrome; BROAD THUMBS AND GREAT TOES, CHARACTERISTIC FACIES, AND IMPAIRED INTELLECTUAL DEVELOPMENT; RUBINSTEIN SYNDROME. Identifiers: Orphanet 353277, Orphanet 783, MedGen C4551859, MONDO:0008393, OMIM 180849.
Menke-Hennekam syndrome 1 (MKHK1). Identifiers: MedGen C5193034, MONDO:0020763, OMIM 618332.

Allele frequency attached by ClinVar (database versions not stated): ESP Exome Variant Server 0.00008; 1000 Genomes Project 30x 0.00016.
gnomAD v4.1: 9 of 1,613,826 alleles (0.00056%); highest among the groups gnomAD compares: African/African-American, 0.012%; no homozygotes.

Submissions (3):

Fulgent Genetics
Classification: Uncertain significance for Rubinstein-Taybi syndrome due to CREBBP mutations; Menke-Hennekam syndrome 1. Last evaluated: 2024-03-04. Review status: criteria provided, single submitter. Criteria: ACMG Guidelines, 2015. Collection method: clinical testing. Allele origin: germline.

Labcorp Genetics (formerly Invitae), Labcorp
Classification: Likely benign for Rubinstein-Taybi syndrome. Last evaluated: 2022-10-05. Review status: criteria provided, single submitter. Criteria: Invitae Variant Classification Sherloc (09022015). Collection method: clinical testing. Allele origin: germline.

PreventionGenetics, part of Exact Sciences
Classification: Uncertain significance for CREBBP-related condition. Last evaluated: 2024-07-04. Review status: no assertion criteria provided. Collection method: clinical testing. Allele origin: germline. Not counted in ClinVar's aggregate classification.
Comment: The CREBBP c.2537C>T variant is predicted to result in the amino acid substitution p.Pro846Leu. To our knowledge, this variant has not been reported in the literature. This variant is reported in 0.016% of alleles in individuals of African descent in gnomAD, which may be too common to be causative. Although we suspect that this variant may be benign, at this time, the clinical significance of this variant is uncertain due to the absence of conclusive functional and genetic evidence.